The following is an entry in ClinVar:

ClinVar aggregate classification (germline): Uncertain significance. Review status: criteria provided, multiple submitters, no conflicts (2 of 4 stars). 2 submissions from 2 submitters: Uncertain significance (2). Last evaluated 2025-12-01.

Conditions:
Tatton-Brown-Rahman overgrowth syndrome. Also called: Tall stature-intellectual disability-facial dysmorphism syndrome; Tatton-Brown-Rahman syndrome. Identifiers: Orphanet 404443, MedGen C4014545, MONDO:0014382, OMIM 615879.
DNMT3A-related disorder. Also called: DNMT3A-related disorders; DNMT3A-related condition.

gnomAD v4.1: 5 of 1,611,752 alleles (0.00031%); highest among the groups gnomAD compares: Middle Eastern, 0.05%; no homozygotes.

Submissions (2):

Labcorp Genetics (formerly Invitae), Labcorp
Classification: Uncertain significance for Tatton-Brown-Rahman overgrowth syndrome. Last evaluated: 2025-12-01. Review status: criteria provided, single submitter. Criteria: Invitae Variant Classification Sherloc (09022015). Collection method: clinical testing. Allele origin: germline.
Comment: This sequence change replaces arginine, which is basic and polar, with leucine, which is neutral and non-polar, at codon 38 of the DNMT3A protein (p.Arg38Leu). This variant is present in population databases (no rsID available, gnomAD 0.003%). This variant has not been reported in the literature in individuals affected with DNMT3A-related conditions. ClinVar contains an entry for this variant (Variation ID: 2062473). Invitae Evidence Modeling of protein sequence and biophysical properties (such as structural, functional, and spatial information, amino acid conservation, physicochemical variation, residue mobility, and thermodynamic stability) indicates that this missense variant is not expected to disrupt DNMT3A protein function with a negative predictive value of 95%. In summary, the available evidence is currently insufficient to determine the role of this variant in disease. Therefore, it has been classified as a Variant of Uncertain Significance.

PreventionGenetics, part of Exact Sciences
Classification: Uncertain significance for DNMT3A-related condition. Last evaluated: 2024-12-02. Review status: criteria provided, single submitter. Criteria: ACMG Guidelines, 2015. Collection method: clinical testing. Allele origin: germline.
Comment: The DNMT3A c.113G>T variant is predicted to result in the amino acid substitution p.Arg38Leu. To our knowledge, this variant has not been reported in the literature. This variant is reported in 0.0029% of alleles in individuals of Latino descent in gnomAD. At this time, the clinical significance of this variant is uncertain due to the absence of conclusive functional and genetic evidence.

NM_022552.5(DNMT3A):c.113G>T (p.Arg38Leu)

Gene: DNMT3A (DNA methyltransferase 3 alpha; minus strand). Cytogenetic location: 2p23.3.
Variant type: single nucleotide variant.
Coding change: c.113G>T on transcript NM_022552.5 (MANE Select); coding-DNA position 113, G replaced by T.
Protein change: p.Arg38Leu; replaces arginine 38 with leucine.
Molecular consequence: missense variant. On other transcripts: non-coding transcript variant (1).
Genome position (GRCh38, 1-based): chr2:25,300,203, C>A on the plus strand (G>T on the coding strand, the complement: DNMT3A is on the minus strand). VCF-style: chr2-25300203-C-A. GRCh37 (hg19) VCF-style: chr2-25523072-C-A.
Other names: c.113G>T, p.Arg38Leu (NM_001320892.2, NM_175629.2, NM_175630.1); short protein forms R38L.
Identifiers: ClinVar variation 2062473 (VCV002062473.5), dbSNP rs369618387, ClinGen allele CA346251707.